The following is an entry in ClinVar:

ClinVar aggregate classification (germline): Uncertain significance (1 of 4 stars; one submission).

Allele frequency attached by ClinVar (database versions not stated): ExAC 0.00001; TOPMed 0.00002; gnomAD 0.00002.

Submission:

Ambry Genetics
Classification: Uncertain significance. Last evaluated: 2026-08-23. Review status: criteria provided, single submitter. Criteria: Ambry Variant Classification Scheme 2023. Collection method: clinical testing. Allele origin: germline.
Comment: The c.211C>T (p.R71C) alteration is located in exon 3 (coding exon 3) of the SNTG2 gene. This alteration results from a C to T substitution at nucleotide position 211, causing the arginine (R) at amino acid position 71 to be replaced by a cysteine (C). Based on data from gnomAD, the T allele has an overall frequency of 0.003% (7/249228) total alleles studied. The highest observed frequency was 0.017% (1/6050) of Other alleles. Based on insufficient or conflicting evidence, the clinical significance of this alteration remains unclear.

NM_018968.4(SNTG2):c.211C>T (p.Arg71Cys)

Gene: SNTG2 (syntrophin gamma 2; plus strand). Cytogenetic location: 2p25.3.
Variant type: single nucleotide variant.
Coding change: c.211C>T on transcript NM_018968.4 (MANE Select); coding-DNA position 211, C replaced by T.
Protein change: p.Arg71Cys; replaces arginine 71 with cysteine.
Molecular consequence: missense variant.
Genome position (GRCh38, 1-based): chr2:1,098,196, C>T. VCF-style: chr2-1098196-C-T. GRCh37 (hg19) VCF-style: chr2-1093882-C-T.
Other names: short protein forms R71C.
Identifiers: ClinVar variation 2522923 (VCV002522923.3), dbSNP rs777245755, ClinGen allele CA1510697.